The following is an entry in ClinVar:

ClinVar aggregate classification (germline): Likely benign (1 of 4 stars; one submission).

gnomAD v4.1: 15 of 1,591,164 alleles (0.00094%); highest among the groups gnomAD compares: Admixed American, 0.0036%; no homozygotes.

Submission:

CeGaT Center for Human Genetics Tuebingen
Classification: Likely benign. Last evaluated: 2026-08-01. Review status: criteria provided, single submitter. Criteria: CeGaT Center For Human Genetics Tuebingen Variant Classification Criteria Version 2. Collection method: clinical testing. Allele origin: germline. Affected: yes. Observed: 1 variant allele.
Comment: NCKAP1: BP4, BP7

NM_013436.5(NCKAP1):c.3345A>G (p.Ala1115=)

Gene: NCKAP1 (NCK associated protein 1; minus strand). Cytogenetic location: 2q32.1.
Variant type: single nucleotide variant.
Coding change: c.3345A>G on transcript NM_013436.5 (MANE Select); coding-DNA position 3345, A replaced by G.
Protein change: p.Ala1115=; no amino-acid change (alanine 1115 retained).
Molecular consequence: synonymous variant.
Genome position (GRCh38, 1-based): chr2:182,925,744, T>C on the plus strand (A>G on the coding strand, the complement: NCKAP1 is on the minus strand). VCF-style: chr2-182925744-T-C. GRCh37 (hg19) VCF-style: chr2-183790472-T-C.
Other names: c.3339A>G, p.Ala1113= (NM_001437266.1); c.3357A>G, p.Ala1119= (NM_001437267.1); c.3363A>G, p.Ala1121= (NM_205842.3).
Identifiers: ClinVar variation 5039262 (VCV005039262.1).